The following is an entry in ClinVar:

ClinVar aggregate classification (germline): Uncertain significance. Review status: criteria provided, multiple submitters, no conflicts (2 of 4 stars). 2 submissions from 2 submitters: Uncertain significance (2). Last evaluated 2022-09-07.

Conditions:
Inborn genetic diseases. Identifiers: MedGen C0950123, MeSH D030342.

Allele frequency attached by ClinVar (database versions not stated): gnomAD exomes below 0.00001 and 0.00001; gnomAD 0.00001; TOPMed 0.00003.
gnomAD v4.1: 25 of 1,614,036 alleles (0.0015%); highest among the groups gnomAD compares: East Asian, 0.011%; no homozygotes.

Submissions (2):

Ambry Genetics
Classification: Uncertain significance for Inborn genetic diseases. Last evaluated: 2022-09-07. Review status: criteria provided, single submitter. Criteria: Ambry Variant Classification Scheme 2023. Collection method: clinical testing. Allele origin: germline.

Labcorp Genetics (formerly Invitae), Labcorp
Classification: Uncertain significance. Last evaluated: 2022-09-06. Review status: criteria provided, single submitter. Criteria: Invitae Variant Classification Sherloc (09022015). Collection method: clinical testing. Allele origin: germline.
Comment: This sequence change replaces threonine, which is neutral and polar, with isoleucine, which is neutral and non-polar, at codon 258 of the LRIT3 protein (p.Thr258Ile). This variant is present in population databases (no rsID available, gnomAD 0.02%). This variant has not been reported in the literature in individuals affected with LRIT3-related conditions. ClinVar contains an entry for this variant (Variation ID: 1058621). Algorithms developed to predict the effect of missense changes on protein structure and function output the following: SIFT: "Tolerated"; PolyPhen-2: "Benign"; Align-GVGD: "Class C0". The isoleucine amino acid residue is found in multiple mammalian species, which suggests that this missense change does not adversely affect protein function. In summary, the available evidence is currently insufficient to determine the role of this variant in disease. Therefore, it has been classified as a Variant of Uncertain Significance.

NM_198506.5(LRIT3):c.773C>T (p.Thr258Ile)

Gene: LRIT3 (leucine rich repeat, Ig-like and transmembrane domains 3; plus strand). Cytogenetic location: 4q25.
Variant type: single nucleotide variant.
Coding change: c.773C>T on transcript NM_198506.5 (MANE Select); coding-DNA position 773, C replaced by T.
Protein change: p.Thr258Ile; replaces threonine 258 with isoleucine.
Molecular consequence: missense variant.
Genome position (GRCh38, 1-based): chr4:109,867,824, C>T. VCF-style: chr4-109867824-C-T. GRCh37 (hg19) VCF-style: chr4-110788980-C-T.
Other names: c.638C>T (NM_198506.2); short protein forms T258I.
Identifiers: ClinVar variation 1058621 (VCV001058621.4), dbSNP rs1436199983, ClinGen allele CA357867792.